The following is an entry in ClinVar:

ClinVar aggregate classification (germline): Uncertain significance. Review status: criteria provided, multiple submitters, no conflicts (2 of 4 stars). 2 submissions from 2 submitters: Uncertain significance (2). Last evaluated 2022-04-07.

Conditions:
Mucolipidosis type II. Also called: ML II ALPHA/BETA; Mucolipidosis 2; ML 2; Inclusion cell disease; Leroy Disease; N-acetylglucosamine 1phosphotransferase deficiency. Identifiers: Orphanet 576, MedGen C2673377, MONDO:0009650, OMIM 252500.
Pseudo-Hurler polydystrophy. Also called: ML III; ML III ALPHA/BETA; MUCOLIPIDOSIS IIIA; Type III Mucolipidosis; ML IIIA; Mucolipidosis III Alpha/Beta. Identifiers: Orphanet 423461, Orphanet 577, MedGen C0033788, MONDO:0018931, OMIM 252600.

Allele frequency attached by ClinVar (database versions not stated): gnomAD exomes 0.00002; gnomAD 0.00003; TOPMed 0.00005; ExAC 0.00007; ESP Exome Variant Server 0.00008.
gnomAD v4.1: 40 of 1,613,882 alleles (0.0025%); highest among the groups gnomAD compares: East Asian, 0.025%; no homozygotes.

Submissions (2):

Labcorp Genetics (formerly Invitae), Labcorp
Classification: Uncertain significance for Pseudo-Hurler polydystrophy; Mucolipidosis type II. Last evaluated: 2022-04-07. Review status: criteria provided, single submitter. Criteria: Invitae Variant Classification Sherloc (09022015). Collection method: clinical testing. Allele origin: germline.
Comment: This sequence change replaces arginine, which is basic and polar, with histidine, which is basic and polar, at codon 1191 of the GNPTAB protein (p.Arg1191His). This variant is present in population databases (rs376398528, gnomAD 0.08%). This variant has not been reported in the literature in individuals affected with GNPTAB-related conditions. Advanced modeling of protein sequence and biophysical properties (such as structural, functional, and spatial information, amino acid conservation, physicochemical variation, residue mobility, and thermodynamic stability) performed at Invitae indicates that this missense variant is expected to disrupt GNPTAB protein function. In summary, the available evidence is currently insufficient to determine the role of this variant in disease. Therefore, it has been classified as a Variant of Uncertain Significance.

Juno Genomics, Hangzhou Juno Genomics, Inc
Classification: Uncertain significance for Mucolipidosis type II; Pseudo-Hurler polydystrophy. Review status: criteria provided, single submitter. Criteria: ACMG Guidelines, 2015. Collection method: clinical testing. Allele origin: germline.
Comment: Absent from controls (or at extremely low frequency if recessive) in Genome Aggregation Database.;Multiple lines of computational evidence support a deleterious effect on the gene or gene product.

NM_024312.5(GNPTAB):c.3572G>A (p.Arg1191His)

Gene: GNPTAB (N-acetylglucosamine-1-phosphate transferase subunits alpha and beta; minus strand). Cytogenetic location: 12q23.2.
Variant type: single nucleotide variant.
Coding change: c.3572G>A on transcript NM_024312.5 (MANE Select); coding-DNA position 3572, G replaced by A.
Protein change: p.Arg1191His; replaces arginine 1191 with histidine.
Molecular consequence: missense variant.
Genome position (GRCh38, 1-based): chr12:101,753,402, C>T on the plus strand (G>A on the coding strand, the complement: GNPTAB is on the minus strand). VCF-style: chr12-101753402-C-T. GRCh37 (hg19) VCF-style: chr12-102147180-C-T.
Other names: short protein forms R1191H.
Identifiers: ClinVar variation 2140054 (VCV002140054.3), dbSNP rs376398528, ClinGen allele CA6746117.